The following is an entry in ClinVar:

ClinVar aggregate classification (germline): Uncertain significance. Review status: criteria provided, multiple submitters, no conflicts (2 of 4 stars). 2 submissions from 2 submitters: Uncertain significance (2). Last evaluated 2023-12-01.

Conditions:
Microcephaly, normal intelligence and immunodeficiency (NBS). Also called: BERLIN BREAKAGE SYNDROME; SEEMANOVA SYNDROME II; Immunodeficiency, microcephaly with normal intelligence; Nijmegen breakage syndrome; Microcephaly with normal intelligence immunodeficiency and lymphoreticular malignancies; Nonsyndromal microcephaly autosomal recessive with normal intelligence. Identifiers: Orphanet 647, MedGen C0398791, MONDO:0009623, OMIM 251260.
Hereditary cancer-predisposing syndrome. Also called: Tumor predisposition; Neoplastic Syndromes, Hereditary; Hereditary Cancer Syndrome; Hereditary neoplastic syndrome. Identifiers: Orphanet 140162, MedGen C0027672, MeSH D009386, MONDO:0015356.

Submissions (2):

Ambry Genetics
Classification: Uncertain significance for Hereditary cancer-predisposing syndrome. Last evaluated: 2023-12-01. Review status: criteria provided, single submitter. Criteria: Ambry Variant Classification Scheme 2023. Collection method: clinical testing. Allele origin: germline.
Comment: The p.C487R variant (also known as c.1459T>C), located in coding exon 11 of the NBN gene, results from a T to C substitution at nucleotide position 1459. The cysteine at codon 487 is replaced by arginine, an amino acid with highly dissimilar properties. This amino acid position is conserved. In addition, this alteration is predicted to be tolerated by in silico analysis. Since supporting evidence is limited at this time, the clinical significance of this alteration remains unclear.

Labcorp Genetics (formerly Invitae), Labcorp
Classification: Uncertain significance for Microcephaly, normal intelligence and immunodeficiency. Last evaluated: 2023-09-01. Review status: criteria provided, single submitter. Criteria: Invitae Variant Classification Sherloc (09022015). Collection method: clinical testing. Allele origin: germline.
Comment: This variant has not been reported in the literature in individuals affected with NBN-related conditions. ClinVar contains an entry for this variant (Variation ID: 1056870). An algorithm developed to predict the effect of missense changes on protein structure and function (PolyPhen-2) suggests that this variant is likely to be disruptive. RNA analysis performed to evaluate the impact of this missense change on mRNA splicing indicates it does not significantly alter splicing (Invitae). In summary, the available evidence is currently insufficient to determine the role of this variant in disease. Therefore, it has been classified as a Variant of Uncertain Significance. This variant is not present in population databases (gnomAD no frequency). This sequence change replaces cysteine, which is neutral and slightly polar, with arginine, which is basic and polar, at codon 487 of the NBN protein (p.Cys487Arg).

NM_002485.5(NBN):c.1459T>C (p.Cys487Arg)

Gene: NBN (nibrin; minus strand). Cytogenetic location: 8q21.3.
Variant type: single nucleotide variant.
Coding change: c.1459T>C on transcript NM_002485.5 (MANE Select); coding-DNA position 1459, T replaced by C.
Protein change: p.Cys487Arg; replaces cysteine 487 with arginine.
Molecular consequence: missense variant.
Genome position (GRCh38, 1-based): chr8:89,953,630, A>G on the plus strand (T>C on the coding strand, the complement: NBN is on the minus strand). VCF-style: chr8-89953630-A-G. GRCh37 (hg19) VCF-style: chr8-90965858-A-G.
Other names: c.1459T>C (NM_002485.4); c.1213T>C, p.Cys405Arg (NM_001024688.3); short protein forms C405R, C487R.
Identifiers: ClinVar variation 1056870 (VCV001056870.10), dbSNP rs2129703194, ClinGen allele CA371655808.